The following is an entry in ClinVar:

NM_016239.4(MYO15A):c.3311dup (p.Gly1104_Glu1105insTer)

Gene: MYO15A (myosin XVA; plus strand). Cytogenetic location: 17p11.2.
Variant type: Duplication.
Coding change: c.3311dup on transcript NM_016239.4 (MANE Select); coding-DNA position 3311, one base duplicated (G; older notation c.3311dupG).
Protein change: p.Gly1104_Glu1105insTer.
Molecular consequence: frameshift variant.
Genome position (GRCh38, 1-based): chr17:18,122,111, G duplicated; the last of 6 consecutive G bases (chr17:18,122,106-18,122,111); duplicating any one gives the same sequence. VCF-style (leftmost placement, unchanged base first): chr17-18122105-A-AG. GRCh37 (hg19) VCF-style: chr17-18025419-A-AG.
Other names: c.3311dupG (NM_016239.4, NM_016239.3).
Identifiers: ClinVar variation 203363 (VCV000203363.11), dbSNP rs794729637, ClinGen allele CA275491.
Genomic context (GRCh38, chr17:18,122,105, plus strand): 5'-GAACACTGCCCCAAGCCGCAGCCCCCTTGGCGCCCATCAGGGCCCCAGAGCCCCTGCCCA[A>AG]GGGGGGTGAACGGCGCCAGGCAGCCCCTGGGCGTTTTGCTGTGGTCATGCCTCGTGTGCA-3'

ClinVar aggregate classification (germline): Pathogenic. Review status: criteria provided, multiple submitters, no conflicts (2 of 4 stars). 7 submissions from 7 submitters: Pathogenic (6). 1 of the submissions does not count toward it. Last evaluated 2025-07-10.

Conditions:
MYO15A-related disorder. Also called: MYO15A-related condition.
Autosomal recessive nonsyndromic hearing loss 3. Also called: NEUROSENSORY NONSYNDROMIC RECESSIVE DEAFNESS 3. Identifiers: Orphanet 90636, MedGen C1838263, MONDO:0010860, OMIM 600316.

Submissions (7):

First Genomix Gene Laboratory, Genetic Diagnostics Department
Classification: Pathogenic for Autosomal recessive nonsyndromic hearing loss 3. Last evaluated: 2025-07-10. Review status: criteria provided, single submitter. Criteria: ACMG Guidelines, 2015. Collection method: clinical testing. Allele origin: germline. Inheritance: Autosomal recessive inheritance. Affected: no. Observed: 1 variant allele.

Blueprint Genetics
Classification: Pathogenic for MYO15A-related disorders. Last evaluated: 2024-07-01. Review status: criteria provided, single submitter. Criteria: ACMG Guidelines, 2015. Collection method: clinical testing. Allele origin: germline. Affected: yes. Observed: 1 variant allele.

Labcorp Genetics (formerly Invitae), Labcorp
Classification: Pathogenic. Last evaluated: 2024-02-24. Review status: criteria provided, single submitter. Criteria: Invitae Variant Classification Sherloc (09022015). Collection method: clinical testing. Allele origin: germline.
Comment: This sequence change creates a premature translational stop signal (p.Glu1105*) in the MYO15A gene. It is expected to result in an absent or disrupted protein product. Loss-of-function variants in MYO15A are known to be pathogenic (PMID: 17546645). This variant is not present in population databases (gnomAD no frequency). This premature translational stop signal has been observed in individual(s) with deafness (PMID: 26969326, 29907799). ClinVar contains an entry for this variant (Variation ID: 203363). For these reasons, this variant has been classified as Pathogenic.

Fulgent Genetics
Classification: Pathogenic for Autosomal recessive nonsyndromic hearing loss 3. Last evaluated: 2024-01-24. Review status: criteria provided, single submitter. Criteria: ACMG Guidelines, 2015. Collection method: clinical testing. Allele origin: germline.

GeneDx
Classification: Pathogenic. Last evaluated: 2021-08-03. Review status: criteria provided, single submitter. Criteria: GeneDx Variant Classification Process June 2021. Collection method: clinical testing. Allele origin: germline. Affected: yes.
Comment: Observed on the same allele (in cis) as another variant in the MYO15A gene in a patient with hearing loss in published literature (Sheppard et al., 2018); this variant in cis has been classified as benign at GeneDx; Nonsense variant predicted to result in protein truncation or nonsense mediated decay in a gene for which loss-of-function is a known mechanism of disease; Not observed at significant frequency in large population cohorts (Lek et al., 2016); This variant is associated with the following publications: (PMID: 26969326, 29907799)

Athena Diagnostics
Classification: Pathogenic. Last evaluated: 2021-02-25. Review status: criteria provided, single submitter. Criteria: Athena Diagnostics criteria. Collection method: clinical testing. Allele origin: unknown.
Comment: This variant is expected to result in the loss of a functional protein. This variant has not been reported in large, multi-ethnic general populations. This variant has been identified in at least one individual with clinical features associated with this gene.

Division of Human Genetics, Children's Hospital of Philadelphia
Classification: Pathogenic for Deafness, autosomal recessive 3. Last evaluated: 2014-06-23. Review status: no assertion criteria provided. Collection method: research. Allele origin: maternal. Affected: yes. Study: CSER-PediSeq. Not counted in ClinVar's aggregate classification.
Comment: The variant (c.3311dupG;p.E1105*) is a frameshift variant at amino acid position 1105 predicted to result in a truncated protein. It has not been reported, but another variant resulting in the same amino acid change, c.3313G>T;p.E1105*, has been reported in a patient with hearing loss (Nal et al. 2007, PMID: 17546645).

Literature cited by the submitters: PubMed 17546645 (cited by 3 submitters); PubMed 26969326 (cited by Labcorp Genetics (formerly Invitae), Labcorp and Athena Diagnostics); PubMed 29907799 (cited by Labcorp Genetics (formerly Invitae), Labcorp and Athena Diagnostics); PubMed 26302205 (cited by Athena Diagnostics); PubMed 28000701 (cited by Athena Diagnostics).